The following is an entry in ClinVar:

NM_004646.4(NPHS1):c.2207T>C (p.Val736Ala)

Gene: NPHS1 (NPHS1 adhesion molecule, nephrin; minus strand). Cytogenetic location: 19q13.12.
Variant type: single nucleotide variant.
Coding change: c.2207T>C on transcript NM_004646.4 (MANE Select); coding-DNA position 2207, T replaced by C.
Protein change: p.Val736Ala; replaces valine 736 with alanine.
Molecular consequence: missense variant.
Genome position (GRCh38, 1-based): chr19:35,844,108, A>G on the plus strand (T>C on the coding strand, the complement: NPHS1 is on the minus strand). VCF-style: chr19-35844108-A-G. GRCh37 (hg19) VCF-style: chr19-36335010-A-G.
Other names: short protein forms V736A.
Identifiers: ClinVar variation 2677324 (VCV002677324.5), dbSNP rs1973100441, ClinGen allele CA405397151.
Genomic context (GRCh38, chr19:35,844,108, plus strand): 5'-CACAATGGGCAAGGTTCCTTGGGTGGGTGTGGTTTCCATGGTGGGCGGGGCTCACAGTGC[A>G]CGTCCAGCCGCAGCCGCGCTTCCGCGGTGCCCTCAGAGTTCTGGCAGTGCAGCTGATAGA-3'
Protein context (NP_004637.1, residues 726-746): GTAEARLRLD[Val736Ala]HYAPTIRALQ

ClinVar aggregate classification (germline): Likely pathogenic. Review status: criteria provided, multiple submitters, no conflicts (2 of 4 stars). 3 submissions from 3 submitters: Likely pathogenic (2). 1 of the submissions does not count toward it. Last evaluated 2023-11-18.

Conditions:
Finnish congenital nephrotic syndrome (NPHS1). Also called: NEPHROTIC SYNDROME, TYPE 1. Identifiers: Orphanet 839, MedGen C0403399, MONDO:0009732, OMIM 256300.

Allele frequency attached by ClinVar (database versions not stated): TOPMed below 0.00001; gnomAD 0.00001.
gnomAD v4.1: 1 of 1,606,872 alleles (0.000062%); highest among the groups gnomAD compares: Admixed American, 0.0017%; no homozygotes.

Submissions (3):

Baylor Genetics
Classification: Likely pathogenic for Finnish congenital nephrotic syndrome. Last evaluated: 2023-11-18. Review status: criteria provided, single submitter. Criteria: ACMG Guidelines, 2015. Collection method: clinical testing. Allele origin: unknown.

Juno Genomics, Hangzhou Juno Genomics, Inc
Classification: Likely pathogenic for Finnish congenital nephrotic syndrome. Review status: criteria provided, single submitter. Criteria: ACMG Guidelines, 2015. Collection method: clinical testing. Allele origin: germline. Affected: yes.
Comment: Absent from controls (or at extremely low frequency if recessive) in Genome Aggregation Database, Exome Sequencing Project, 1000 Genomes Project, or Exome Aggregation Consortium.;Multiple lines of computational evidence support a deleterious effect on the gene or gene product (conservation, evolutionary, splicing impact, etc).;For recessive disorders, detected in trans with a pathogenic variant.;Patient's phenotype or family history is highly specific for a disease with a single genetic etiology.

Department of Reproductive Genetics, International Peace Maternity and Child Health Hospital, Shanghai Jiao Tong University School of Medicine
Classification: Likely pathogenic for Nephrotic syndrome, type 1. Last evaluated: 2025-05-01. Review status: no assertion criteria provided. Collection method: clinical testing. Allele origin: inherited. Affected: yes. Not counted in ClinVar's aggregate classification.
Comment: The NM_004646.4(NPHS1):c.2207T>C(p.Val736Ala) variant results in a missense change and has an extremely low allele frequency (0.00000659 in 151,854 control chromosomes) in gnomAD, with no homozygous occurrences. In silico predictions support a pathogenic effect. This variant has been identified in multiple affected individuals in either the homozygous or compound heterozygous state. ClinVar lists this variant as Likely pathogenic (ID:2677324).

Literature cited by the submitters: PubMed 36685964 (cited by Department of Reproductive Genetics, International Peace Maternity and Child Health Hospital, Shanghai Jiao Tong University School of Medicine); PubMed 34859019 (cited by Department of Reproductive Genetics, International Peace Maternity and Child Health Hospital, Shanghai Jiao Tong University School of Medicine); PubMed 34396835 (cited by Department of Reproductive Genetics, International Peace Maternity and Child Health Hospital, Shanghai Jiao Tong University School of Medicine); PubMed 27019444 (cited by Department of Reproductive Genetics, International Peace Maternity and Child Health Hospital, Shanghai Jiao Tong University School of Medicine).